The following is an entry in ClinVar:

NM_000093.5(COL5A1):c.1826G>A (p.Arg609Gln)

Gene: COL5A1 (collagen type V alpha 1 chain; plus strand). Cytogenetic location: 9q34.3.
Variant type: single nucleotide variant.
Coding change: c.1826G>A on transcript NM_000093.5 (MANE Select); coding-DNA position 1826, G replaced by A.
Protein change: p.Arg609Gln; replaces arginine 609 with glutamine.
Molecular consequence: missense variant.
Genome position (GRCh38, 1-based): chr9:134,754,325, G>A. VCF-style: chr9-134754325-G-A. GRCh37 (hg19) VCF-style: chr9-137646171-G-A.
Other names: c.1826G>A, p.Arg609Gln (NM_001278074.1); short protein forms R609Q.
Identifiers: ClinVar variation 1780851 (VCV001780851.7), dbSNP rs188430069, ClinGen allele CA5318982.

ClinVar aggregate classification (germline): Uncertain significance. Review status: criteria provided, multiple submitters, no conflicts (2 of 4 stars). 2 submissions from 2 submitters: Uncertain significance (2). Last evaluated 2025-11-25.

Conditions:
Ehlers-Danlos syndrome, classic type, 1 (EDSCL1). Also called: Ehlers-Danlos syndrome, type 1; Ehlers-Danlos Syndrome, Classic Type, COL5A1-Related; EDS I; EHLERS-DANLOS SYNDROME, GRAVIS TYPE; EHLERS-DANLOS SYNDROME, SEVERE CLASSIC TYPE. Identifiers: MedGen C0268335, MONDO:0019567, OMIM 130000.
Familial thoracic aortic aneurysm and aortic dissection (TAAD). Also called: Thoracic aortic aneurysms and dissections. Identifiers: Orphanet 91387, MedGen C4707243, MONDO:0019625.

Allele frequency attached by ClinVar (database versions not stated): 1000 Genomes Project 0.00020; gnomAD exomes 0.00003; 1000 Genomes Project 30x 0.00016; ExAC 0.00001.
gnomAD v4.1: 43 of 1,614,044 alleles (0.0027%); highest among the groups gnomAD compares: East Asian, 0.0045%; no homozygotes.

Submissions (2):

Ambry Genetics
Classification: Uncertain significance for Familial thoracic aortic aneurysm and aortic dissection. Last evaluated: 2025-11-25. Review status: criteria provided, single submitter. Criteria: Ambry Variant Classification Scheme 2023. Collection method: clinical testing. Allele origin: germline.
Comment: The p.R609Q variant (also known as c.1826G>A), located in coding exon 16 of the COL5A1 gene, results from a G to A substitution at nucleotide position 1826. The arginine at codon 609 is replaced by glutamine, an amino acid with highly similar properties. This amino acid position is highly conserved in available vertebrate species. In addition, the in silico prediction for this alteration is inconclusive. Since supporting evidence is limited at this time, the clinical significance of this alteration remains unclear.

Labcorp Genetics (formerly Invitae), Labcorp
Classification: Uncertain significance for Ehlers-Danlos syndrome, classic type, 1. Last evaluated: 2024-07-03. Review status: criteria provided, single submitter. Criteria: Invitae Variant Classification Sherloc (09022015). Collection method: clinical testing. Allele origin: germline.
Comment: This sequence change replaces arginine, which is basic and polar, with glutamine, which is neutral and polar, at codon 609 of the COL5A1 protein (p.Arg609Gln). This variant is present in population databases (rs188430069, gnomAD 0.006%). This variant has not been reported in the literature in individuals affected with COL5A1-related conditions. ClinVar contains an entry for this variant (Variation ID: 1780851). An algorithm developed to predict the effect of missense changes on protein structure and function (PolyPhen-2) suggests that this variant is likely to be disruptive. In summary, the available evidence is currently insufficient to determine the role of this variant in disease. Therefore, it has been classified as a Variant of Uncertain Significance.